The following is an entry in ClinVar:

ClinVar aggregate classification (germline): Uncertain significance (1 of 4 stars; one submission).

Conditions:
Epidermolysis bullosa simplex with nail dystrophy (EBS5D). Identifiers: MedGen C4225309, MONDO:0014661, OMIM 616487.
Epidermolysis bullosa simplex, Ogna type (EBS5A). Also called: EPIDERMOLYSIS BULLOSA SIMPLEX 5A, OGNA TYPE; Pidermolysis bullosa simplex 5A, Ogna type. Identifiers: Orphanet 79401, MedGen C0432317, MONDO:0007555, OMIM 131950.
Epidermolysis bullosa simplex 5C, with pyloric atresia (EBS5C). Also called: PLEC1-Related Epidermolysis Bullosa with Pyloric Atresia; PLEC-Related Epidermolysis Bullosa with Pyloric Atresia; Epidermolysis bullosa simplex with pyloric atresia. Identifiers: Orphanet 158684, MedGen C2677349, MONDO:0012807, OMIM 612138.
Autosomal recessive limb-girdle muscular dystrophy type 2Q (LGMDR17). Also called: MUSCULAR DYSTROPHY, LIMB-GIRDLE, AUTOSOMAL RECESSIVE 17. Identifiers: Orphanet 254361, MedGen C3150989, MONDO:0013390, OMIM 613723.
Epidermolysis bullosa simplex 5B, with muscular dystrophy (EBS5B). Also called: EPIDERMOLYSIS BULLOSA SIMPLEX AND LIMB-GIRDLE MUSCULAR DYSTROPHY; Epidermolysis bullosa simplex with muscular dystrophy. Identifiers: Orphanet 257, MedGen C2931072, MONDO:0009181, OMIM 226670.

Submission:

Labcorp Genetics (formerly Invitae), Labcorp
Classification: Uncertain significance for Autosomal recessive limb-girdle muscular dystrophy type 2Q; Epidermolysis bullosa simplex, Ogna type; Epidermolysis bullosa simplex with nail dystrophy; Epidermolysis bullosa simplex 5C, with pyloric atresia; Epidermolysis bullosa simplex 5B, with muscular dystrophy. Last evaluated: 2023-06-03. Review status: criteria provided, single submitter. Criteria: Invitae Variant Classification Sherloc (09022015). Collection method: clinical testing. Allele origin: germline.
Comment: In summary, the available evidence is currently insufficient to determine the role of this variant in disease. Therefore, it has been classified as a Variant of Uncertain Significance. Experimental studies and prediction algorithms are not available or were not evaluated, and the functional significance of this variant is currently unknown. This variant has not been reported in the literature in individuals affected with PLEC-related conditions. This variant is present in population databases (rs781925584, gnomAD 0.001%). This variant, c.4438_4440del, results in the deletion of 1 amino acid(s) of the PLEC protein (p.Glu1480del), but otherwise preserves the integrity of the reading frame.

NM_201384.3(PLEC):c.4351GAG[2] (p.Glu1453del)

Gene: PLEC (plectin; minus strand). Cytogenetic location: 8q24.3.
Variant type: Microsatellite.
Coding change: c.4351GAG[2] on transcript NM_201384.3 (MANE Select); two copies in a row of the 3-base unit GAG starting at c.4351; the reference has three copies in a row; one copy, 3 bases deleted.
Protein change: p.Glu1453del; deletes glutamic acid 1453.
Molecular consequence: inframe deletion. On other transcripts: intron variant (1).
Genome position (GRCh38, 1-based): chr8:143,925,570-143,925,572, CTC deleted on the plus strand (GAG on the coding strand, the reverse complement: PLEC is on the minus strand); deleting any 3 consecutive bases within chr8:143,925,570-143,925,578 gives the same sequence; the position shown is the placement nearest the transcript's 3' end. VCF-style (leftmost placement, unchanged base first): chr8-143925569-TCTC-T. GRCh37 (hg19) VCF-style: chr8-144999737-TCTC-T.
Other names: c.4432GAG[2], p.Glu1480del (NM_000445.5); c.4309GAG[2], p.Glu1439del (NM_201378.4); c.4285GAG[2], p.Glu1431del (NM_201379.3); c.4762GAG[2], p.Glu1590del (NM_201380.4); c.4255GAG[2], p.Glu1421del (NM_201381.3); c.4351GAG[2], p.Glu1453del (NM_201382.4); c.4363GAG[2], p.Glu1457del (NM_201383.3); c.4125+1206GAG[2] (NM_001410941.1); short protein forms E1421del, E1439del, E1590del, E1457del, E1431del, E1453del, E1480del.
Identifiers: ClinVar variation 2922879 (VCV002922879.3), dbSNP rs781925584, ClinGen allele CA4926688.